The following is an entry in ClinVar:

NM_001098816.3(TENM4):c.747C>T (p.Thr249=)

Gene: TENM4 (teneurin transmembrane protein 4; minus strand). Cytogenetic location: 11q14.1.
Variant type: single nucleotide variant.
Coding change: c.747C>T on transcript NM_001098816.3 (MANE Select); coding-DNA position 747, C replaced by T.
Protein change: p.Thr249=; no amino-acid change (threonine 249 retained).
Molecular consequence: synonymous variant.
Genome position (GRCh38, 1-based): chr11:78,903,270, G>A on the plus strand (C>T on the coding strand, the complement: TENM4 is on the minus strand). VCF-style: chr11-78903270-G-A. GRCh37 (hg19) VCF-style: chr11-78614315-G-A.
Identifiers: ClinVar variation 4537277 (VCV004537277.1).

ClinVar aggregate classification (germline): Uncertain significance (1 of 4 stars; one submission).

gnomAD v4.1: 1 of 1,488,620 alleles (0.000067%); highest among the groups gnomAD compares: Non-Finnish European, 0.000089%; no homozygotes.

Submission:

Women's Health and Genetics/Laboratory Corporation of America, LabCorp
Classification: Uncertain significance. Last evaluated: 2025-11-20. Review status: criteria provided, single submitter. Criteria: LabCorp Variant Classification Summary - May 2015. Collection method: clinical testing. Allele origin: germline.
Comment: Variant summary: TENM4 c.747C>T (p.Thr249Thr) alters a conserved nucleotide located close to a canonical splice site and therefore could affect mRNA splicing, leading to a significantly altered protein sequence. Several computational tools predict a significant impact on normal splicing: Three predict the variant weakens a 5' donor site. One predicts the variant has no significant impact on splicing. However, these predictions have yet to be confirmed by functional studies. The frequency data for this variant in gnomAD is considered unreliable, as metrics indicate poor data quality at this position. To our knowledge, no occurrence of c.747C>T in individuals affected with TENM4-related conditions and no experimental evidence demonstrating its impact on protein function have been reported. No submitters have cited clinical-significance assessments for this variant to ClinVar. Based on the evidence outlined above, the variant was classified as uncertain significance.